The following is an entry in ClinVar:

NM_004260.4(RECQL4):c.214G>A (p.Ala72Thr)

Gene: RECQL4 (RecQ like helicase 4; minus strand). Cytogenetic location: 8q24.3.
Variant type: single nucleotide variant.
Coding change: c.214G>A on transcript NM_004260.4 (MANE Select); coding-DNA position 214, G replaced by A.
Protein change: p.Ala72Thr; replaces alanine 72 with threonine.
Molecular consequence: missense variant.
Genome position (GRCh38, 1-based): chr8:144,517,190, C>T on the plus strand (G>A on the coding strand, the complement: RECQL4 is on the minus strand). VCF-style: chr8-144517190-C-T. GRCh37 (hg19) VCF-style: chr8-145742574-C-T.
Other names: c.-583G>A (NM_001413028.1); c.214G>A, p.Ala72Thr (NM_001413029.1, NM_001413033.1, NM_001413036.1 and 5 more transcripts); c.-920G>A (NM_001413030.1, NM_001413031.1, NM_001413027.1 and 1 more transcripts); c.-817G>A (NM_001413032.1); c.-762G>A (NM_001413034.1); c.-755G>A (NM_001413035.1, NM_001413024.1); c.-858G>A (NM_001413037.1, NM_001413038.1, NM_001413022.1 and 3 more transcripts); c.214G>A (NM_004260.3); and 3 more; short protein forms A29T, A72T.
Identifiers: ClinVar variation 2104451 (VCV002104451.5), dbSNP rs1815258229, ClinGen allele CA372692401.

ClinVar aggregate classification (germline): Uncertain significance. Review status: criteria provided, multiple submitters, no conflicts (2 of 4 stars). 2 submissions from 2 submitters: Uncertain significance (2). Last evaluated 2026-03-09.

Conditions:
Inborn genetic diseases. Identifiers: MedGen C0950123, MeSH D030342.
Baller-Gerold syndrome (BGS). Also called: CRANIOSYNOSTOSIS WITH RADIAL DEFECTS. Identifiers: Orphanet 1225, MedGen C0265308, MONDO:0009039, OMIM 218600.

Submissions (2):

Ambry Genetics
Classification: Uncertain significance for Inborn genetic diseases. Last evaluated: 2026-03-09. Review status: criteria provided, single submitter. Criteria: Ambry Variant Classification Scheme 2023. Collection method: clinical testing. Allele origin: germline.
Comment: The p.A72T variant (also known as c.214G>A) is located in coding exon 4 of the RECQL4 gene. The alanine at codon 72 is replaced by threonine, an amino acid with similar properties. This change occurs in the first base pair of coding exon 4. This amino acid position is conserved. In addition, this alteration is predicted to be tolerated by in silico analysis. Based on the available evidence, the clinical significance of this variant remains unclear.

Labcorp Genetics (formerly Invitae), Labcorp
Classification: Uncertain significance for Baller-Gerold syndrome. Last evaluated: 2022-03-08. Review status: criteria provided, single submitter. Criteria: Invitae Variant Classification Sherloc (09022015). Collection method: clinical testing. Allele origin: germline.
Comment: This sequence change replaces alanine, which is neutral and non-polar, with threonine, which is neutral and polar, at codon 72 of the RECQL4 protein (p.Ala72Thr). This variant is not present in population databases (gnomAD no frequency). This variant has not been reported in the literature in individuals affected with RECQL4-related conditions. Experimental studies and prediction algorithms are not available or were not evaluated, and the functional significance of this variant is currently unknown. In summary, the available evidence is currently insufficient to determine the role of this variant in disease. Therefore, it has been classified as a Variant of Uncertain Significance.